The following is an entry in ClinVar:

NM_006648.4(WNK2):c.1417A>G (p.Thr473Ala)

Gene: WNK2 (WNK lysine deficient protein kinase 2; plus strand). Cytogenetic location: 9q22.31.
Variant type: single nucleotide variant.
Coding change: c.1417A>G on transcript NM_006648.4 (MANE Select); coding-DNA position 1417, A replaced by G.
Protein change: p.Thr473Ala; replaces threonine 473 with alanine.
Molecular consequence: missense variant.
Genome position (GRCh38, 1-based): chr9:93,239,851, A>G. VCF-style: chr9-93239851-A-G. GRCh37 (hg19) VCF-style: chr9-96002133-A-G.
Other names: c.1417A>G, p.Thr473Ala (NM_001282394.3); short protein forms T473A.
Identifiers: ClinVar variation 3470451 (VCV003470451.1).

ClinVar aggregate classification (germline): Uncertain significance (1 of 4 stars; one submission).

gnomAD v4.1: 2 of 1,599,678 alleles (0.00013%); highest among the groups gnomAD compares: African/African-American, 0.0013%; no homozygotes.

Submission:

Ambry Genetics
Classification: Uncertain significance. Last evaluated: 2024-11-26. Review status: criteria provided, single submitter. Criteria: Ambry Variant Classification Scheme 2023. Collection method: clinical testing. Allele origin: germline.
Comment: The p.T473A variant (also known as c.1417A>G), located in coding exon 6 of the WNK2 gene, results from an A to G substitution at nucleotide position 1417. The threonine at codon 473 is replaced by alanine, an amino acid with similar properties. This amino acid position is conserved. In addition, this alteration is predicted to be tolerated by in silico analysis. Based on the available evidence, the clinical significance of this variant remains unclear.